The following is an entry in ClinVar:

ClinVar aggregate classification (germline): Pathogenic. Review status: reviewed by expert panel (3 of 4 stars). 6 submissions from 6 submitters: Pathogenic (1). 5 of the submissions do not count toward it. Last evaluated 2016-09-08.

Conditions:
Hereditary cancer-predisposing syndrome. Also called: Tumor predisposition; Neoplastic Syndromes, Hereditary; Hereditary Cancer Syndrome; Hereditary neoplastic syndrome. Identifiers: Orphanet 140162, MedGen C0027672, MeSH D009386, MONDO:0015356.
Breast-ovarian cancer, familial, susceptibility to, 1 (BROVCA1). Also called: OVARIAN CANCER, SUSCEPTIBILITY TO; BRCA1 Hereditary Breast and Ovarian Cancer. Identifiers: Orphanet 145, MedGen C2676676, MONDO:0011450, OMIM 604370. Disease mechanism: loss of function.

Submissions (6):

Evidence-based Network for the Interpretation of Germline Mutant Alleles (ENIGMA)
Classification: Pathogenic for Breast-ovarian cancer, familial, susceptibility to, 1. Last evaluated: 2016-09-08. Review status: reviewed by expert panel. Criteria: ENIGMA BRCA1/2 Classification Criteria (2015). Collection method: curation. Allele origin: germline.
Comment: Variant allele predicted to encode a truncated non-functional protein.

Ambry Genetics
Classification: Pathogenic for Hereditary cancer-predisposing syndrome. Last evaluated: 2020-09-10. Review status: criteria provided, single submitter. Criteria: Ambry Variant Classification Scheme 2023. Collection method: clinical testing. Allele origin: germline. Not counted in ClinVar's aggregate classification.
Comment: The c.1319delT pathogenic mutation, located in coding exon 9 of the BRCA1 gene, results from a deletion of one nucleotide at nucleotide position 1319, causing a translational frameshift with a predicted alternate stop codon. This alteration is expected to result in loss of function by premature protein truncation or nonsense-mediated mRNA decay. As such, this alteration is interpreted as a disease-causing mutation.

Consortium of Investigators of Modifiers of BRCA1/2 (CIMBA), c/o University of Cambridge
Classification: Pathogenic for Breast-ovarian cancer, familial, susceptibility to, 1. Last evaluated: 2015-10-02. Review status: criteria provided, single submitter. Criteria: CIMBA Mutation Classification guidelines May 2016. Collection method: clinical testing. Allele origin: germline. Not counted in ClinVar's aggregate classification.

Breast Cancer Information Core (BIC) (BRCA1)
Classification: Pathogenic for Breast-ovarian cancer, familial 1. Last evaluated: 1998-08-26. Review status: no assertion criteria provided. Collection method: clinical testing. Allele origin: germline. Affected: yes. Observed: 2 variant alleles. Not counted in ClinVar's aggregate classification.

Clinical Genetics DNA and cytogenetics Diagnostics Lab, Erasmus MC, Erasmus Medical Center
Classification: Pathogenic. Review status: no assertion criteria provided. Collection method: clinical testing. Allele origin: germline. Affected: yes. Study: VKGL Data-share Consensus. Not counted in ClinVar's aggregate classification.

Diagnostic Laboratory, Department of Genetics, University Medical Center Groningen
Classification: Pathogenic for Breast-ovarian cancer, familial, susceptibility to, 1. Review status: no assertion criteria provided. Collection method: clinical testing. Allele origin: germline. Affected: yes. Study: VKGL Data-share Consensus. Not counted in ClinVar's aggregate classification.

Literature cited by the submitters: PubMed 18704682 (cited by Ambry Genetics).

NM_007294.4(BRCA1):c.1319del (p.Ala439_Leu440insTer)

Gene: BRCA1 (BRCA1 DNA repair associated; minus strand). Cytogenetic location: 17q21.31.
Variant type: Deletion.
Coding change: c.1319del on transcript NM_007294.4 (MANE Select); coding-DNA position 1319, one base deleted (T; older notation c.1319delT).
Protein change: p.Ala439_Leu440insTer.
Molecular consequence: nonsense. On other transcripts: frameshift variant (1), intron variant (137).
Genome position (GRCh38, 1-based): chr17:43,094,212, A deleted on the plus strand (T on the coding strand, the reverse complement: BRCA1 is on the minus strand); the first of 3 consecutive A bases (chr17:43,094,212-43,094,214); deleting any one gives the same sequence. VCF-style (leftmost placement, unchanged base first): chr17-43094211-TA-T. GRCh37 (hg19) VCF-style: chr17-41246228-TA-T.
Other names: 1438delT; c.1319delT (NM_007294.3); c.1106del, p.Ala368_Leu369insTer (NM_001407571.1, NM_001407853.1, NM_001407894.1 and 9 more transcripts); c.1319del, p.Ala439_Leu440insTer (NM_001407581.1, NM_001407582.1, NM_001407583.1 and 30 more transcripts); c.1316del, p.Ala438_Leu439insTer (NM_001407587.1, NM_001407590.1, NM_001407591.1 and 22 more transcripts); c.1310del, p.Ala436_Leu437insTer (NM_001407646.1, NM_001407647.1); c.1196del, p.Ala398_Leu399insTer (NM_001407648.1, NM_001407664.1, NM_001407665.1 and 19 more transcripts); c.1193del, p.Ala397_Leu398insTer (NM_001407649.1, NM_001407670.1, NM_001407671.1 and 11 more transcripts); and 42 more.
Identifiers: ClinVar variation 54197 (VCV000054197.8), dbSNP rs80357683, ClinGen allele CA000859.